The following is an entry in ClinVar:

ClinVar aggregate classification (germline): Likely benign (0 of 4 stars; one submission).

Conditions:
PLXNA4-related disorder. Also called: PLXNA4-related condition.

Submission:

PreventionGenetics, part of Exact Sciences
Classification: Likely benign for PLXNA4-related condition. Last evaluated: 2023-04-12. Review status: no assertion criteria provided. Collection method: clinical testing. Allele origin: germline.
Comment: This variant is classified as likely benign based on ACMG/AMP sequence variant interpretation guidelines (Richards et al. 2015 PMID: 25741868, with internal and published modifications).

NM_020911.2(PLXNA4):c.4962A>G (p.Leu1654=)

Gene: PLXNA4 (plexin A4; minus strand). Cytogenetic location: 7q32.3.
Variant type: single nucleotide variant.
Coding change: c.4962A>G on transcript NM_020911.2 (MANE Select); coding-DNA position 4962, A replaced by G.
Protein change: p.Leu1654=; no amino-acid change (leucine 1654 retained).
Molecular consequence: synonymous variant.
Genome position (GRCh38, 1-based): chr7:132,146,603, T>C on the plus strand (A>G on the coding strand, the complement: PLXNA4 is on the minus strand). VCF-style: chr7-132146603-T-C. GRCh37 (hg19) VCF-style: chr7-131831362-T-C.
Other names: c.4962A>G, p.Leu1654= (NM_001393897.1).
Identifiers: ClinVar variation 3354977 (VCV003354977.1).